The following is an entry in ClinVar:

ClinVar aggregate classification (germline): Benign/Likely benign. Review status: criteria provided, multiple submitters, no conflicts (2 of 4 stars). 3 submissions from 3 submitters: Benign (1); Likely benign (2). Last evaluated 2024-07-18.

Conditions:
Familial cancer of breast. Also called: Hereditary breast cancer; BREAST CANCER, FAMILIAL; hereditary breast carcinoma. Identifiers: Orphanet 227535, MedGen C0346153, MONDO:0016419, OMIM 114480. Disease mechanism: loss of function.
Breast and/or ovarian cancer. Identifiers: MedGen CN221562.

Submissions (3):

Myriad Genetics, Inc.
Classification: Benign for Familial cancer of breast. Last evaluated: 2024-07-18. Review status: criteria provided, single submitter. Criteria: Myriad Autosomal Dominant, Autosomal Recessive and X-Linked Classification Criteria (2023). Collection method: clinical testing. Allele origin: unknown.
Comment: This variant is considered benign. This variant is a silent/synonymous amino acid change and it is not expected to impact splicing.

Labcorp Genetics (formerly Invitae), Labcorp
Classification: Likely benign for Familial cancer of breast. Last evaluated: 2024-03-07. Review status: criteria provided, single submitter. Criteria: Invitae Variant Classification Sherloc (09022015). Collection method: clinical testing. Allele origin: germline.

CHEO Genetics Diagnostic Laboratory, Children's Hospital of Eastern Ontario
Classification: Likely benign for Breast and/or ovarian cancer. Last evaluated: 2022-09-23. Review status: criteria provided, single submitter. Criteria: ACMG Guidelines, 2015. Collection method: clinical testing. Allele origin: germline.

NM_000465.4(BARD1):c.72C>A (p.Pro24=)

Gene: BARD1 (BRCA1 associated RING domain 1; minus strand). Cytogenetic location: 2q35.
Variant type: single nucleotide variant.
Coding change: c.72C>A on transcript NM_000465.4 (MANE Select); coding-DNA position 72, C replaced by A.
Protein change: p.Pro24=; no amino-acid change (proline 24 retained).
Molecular consequence: synonymous variant. On other transcripts: non-coding transcript variant (3).
Genome position (GRCh38, 1-based): chr2:214,809,498, G>T on the plus strand (C>A on the coding strand, the complement: BARD1 is on the minus strand). VCF-style: chr2-214809498-G-T. GRCh37 (hg19) VCF-style: chr2-215674222-G-T.
Other names: c.72C>A, p.Pro24= (NM_001282543.2, NM_001282545.2, NM_001282548.2 and 1 more transcripts); c.72C>A (NM_000465.2).
Identifiers: ClinVar variation 1060446 (VCV001060446.12), dbSNP rs2106171466, ClinGen allele CA431148539.
Genomic context (GRCh38, chr2:214,809,498, plus strand): 5'-CAGGCGGTCGAGCGCGGCGCGACTGTGGGCCCAGGCACCGCGACCATCCGGTTCCATGGC[G>T]GGCGCGGAACGAGGCTCGTTCCCGGAGCGGATCCTCGGCTGCCGGTTCCTCGGCTGCCGA-3'
Protein context (NP_000456.2, residues 14-34): IRSGNEPRSA[Pro24=]AMEPDGRGAW